The following is an entry in ClinVar:

NM_001206673.2(ABHD12B):c.126A>G (p.Ser42=)

Gene: ABHD12B (abhydrolase domain containing 12B; plus strand). Cytogenetic location: 14q22.1.
Variant type: single nucleotide variant.
Coding change: c.126A>G on transcript NM_001206673.2 (MANE Select); coding-DNA position 126, A replaced by G.
Protein change: p.Ser42=; no amino-acid change (serine 42 retained).
Molecular consequence: synonymous variant. On other transcripts: intron variant (2).
Genome position (GRCh38, 1-based): chr14:50,877,973, A>G. VCF-style: chr14-50877973-A-G. GRCh37 (hg19) VCF-style: chr14-51344691-A-G.
Other names: c.-89-772A>G (NM_181533.4); c.105-2479A>G (NM_181814.2).
Identifiers: ClinVar variation 4880074 (VCV004880074.1).
Genomic context (GRCh38, chr14:50,877,973, plus strand): 5'-TAATTTCGAAAACCTTGTGTGTTTCCCAATACCTTGCAGATATTTTCCACACTCCTGTTC[A>G]ATGCTCGGAAGAAAAATTGCTGCTCTGTATGACAGCTTTACTAGTAAATCCTTAAAAGAA-3'
Protein context (NP_001193602.1, residues 32-52): RNLRYFPHSC[Ser42=]MLGRKIAALY

ClinVar aggregate classification (germline): Uncertain significance (1 of 4 stars; one submission).

Conditions:
Primary ciliary dyskinesia. Also called: Ciliary dyskinesia. Identifiers: Orphanet 244, MedGen C0008780, MONDO:0016575, HP:0012265.

gnomAD v4.1: 70 of 1,533,710 alleles (0.0046%); highest among the groups gnomAD compares: African/African-American, 0.073%; no homozygotes.

Submission:

Department of Human Genetics, Hannover Medical School
Classification: Uncertain significance for Primary Ciliary Dyskinesia. Last evaluated: 2026-04-01. Review status: criteria provided, single submitter. Criteria: ACMG Guidelines, 2015. Collection method: research. Allele origin: germline. Affected: no.
Comment: Classification performed by HerediClassify using the following criteria:['PM2_supporting: Variant occures does not occur as homozygous in gnomAD.', 'PP3_splicing_supporting: Variant is predicted to have a splice effect by SpliceAI with evidence strength supporting.', "PP4_moderate: The modified PICADAR socre of 6.0 exceeds threshold of 5 achieving 'strong' evidence strength."]